The following is an entry in ClinVar:

ClinVar aggregate classification (germline): Uncertain significance (1 of 4 stars; one submission).

Allele frequency attached by ClinVar (database versions not stated): TOPMed 0.00001; gnomAD 0.00002.
gnomAD v4.1: 11 of 1,605,998 alleles (0.00068%); highest among the groups gnomAD compares: Non-Finnish European, 0.00085%; no homozygotes.

Submission:

Labcorp Genetics (formerly Invitae), Labcorp
Classification: Uncertain significance. Last evaluated: 2022-02-19. Review status: criteria provided, single submitter. Criteria: Invitae Variant Classification Sherloc (09022015). Collection method: clinical testing. Allele origin: germline.
Comment: This sequence change replaces proline, which is neutral and non-polar, with threonine, which is neutral and polar, at codon 3143 of the CPLANE1 protein (p.Pro3143Thr). This variant is not present in population databases (gnomAD no frequency). This variant has not been reported in the literature in individuals affected with CPLANE1-related conditions. Advanced modeling of protein sequence and biophysical properties (such as structural, functional, and spatial information, amino acid conservation, physicochemical variation, residue mobility, and thermodynamic stability) performed at Invitae indicates that this missense variant is not expected to disrupt CPLANE1 protein function. In summary, the available evidence is currently insufficient to determine the role of this variant in disease. Therefore, it has been classified as a Variant of Uncertain Significance.

NM_001384732.1(CPLANE1):c.9589C>A (p.Pro3197Thr)

Gene: CPLANE1 (ciliogenesis and planar polarity effector complex subunit 1; minus strand). Cytogenetic location: 5p13.2.
Variant type: single nucleotide variant.
Coding change: c.9589C>A on transcript NM_001384732.1 (MANE Select); coding-DNA position 9589, C replaced by A.
Protein change: p.Pro3197Thr; replaces proline 3197 with threonine.
Molecular consequence: missense variant.
Genome position (GRCh38, 1-based): chr5:37,107,769, G>T on the plus strand (C>A on the coding strand, the complement: CPLANE1 is on the minus strand). VCF-style: chr5-37107769-G-T. GRCh37 (hg19) VCF-style: chr5-37107871-G-T.
Other names: c.9427C>A, p.Pro3143Thr (NM_023073.4); short protein forms P3143T, P3197T.
Identifiers: ClinVar variation 1988024 (VCV001988024.4), dbSNP rs1355287428, ClinGen allele CA359489102.
Genomic context (GRCh38, chr5:37,107,769, plus strand): 5'-CAGACACGCTGTCCACACCGCCCACCCCAAAAGGATGCTCTGGCTCTTCCTCTTCAGTTG[G>T]AGACAAGTCCTATTAAATTGAAAAGACAATTGTGGTCCTAGCCCCTAAAAACAAACAAAA-3'
Protein context (NP_001371661.1, residues 3187-3207): SHNSLLQDLS[Pro3197Thr]TEEEEPEHPF